The following is an entry in ClinVar:

GRCh38/hg38 1q21.2(chr1:147756734-147776466)x3

Genes: GJA5 (gap junction protein alpha 5; minus strand), LOC122128420 (Sharpr-MPRA regulatory region 3144; plus strand). Cytogenetic location: 1q21.2.
Variant type: copy number gain.
Change: copy number 3 (three copies instead of two) of chr1:147,756,734-147,776,466 (19.7 kb, GRCh38 coordinates, 1-based), cytogenetic band 1q21.2.
Identifiers: ClinVar variation 33926 (VCV000033926.3).

ClinVar aggregate classification (germline): Uncertain significance. Review status: no assertion criteria provided (0 of 4 stars). 2 submissions from 1 submitter: Uncertain significance (1). 1 of the submissions does not count toward it. Last evaluated 2010-05-27.

Submissions (2):

ISCA site 4
Classification: Uncertain significance. Last evaluated: 2010-05-27. Review status: no assertion criteria provided. Collection method: clinical testing. Allele origin: unknown, maternal. Affected: yes. Observed: 3 variant alleles. Clinical features observed: Global developmental delay (HP:0001263), Microcephaly (HP:0000252), Hydrocephalus (HP:0000238), Abnormal facial shape (HP:0001999), Seizure (HP:0001275), Holoprosencephaly (HP:0001360), Developmental delay AND/OR other significant developmental or morphological phenotypes.

ISCA site 4
Classification: Uncertain significance. Last evaluated: 2011-08-12. Review status: flagged submission. Criteria: Kaminsky et al. (Genet Med. 2011). Collection method: clinical testing. Allele origin: unknown, maternal. Affected: yes. Observed: 2 variant alleles. Not counted in ClinVar's aggregate classification.
Comment: Copy number variation identified through the course of routine clinical cytogenomic testing in postnatal populations. Clinical assertions have been curated as described in Kaminsky et al. 2011.
ClinVar note: Reason: This record appears to be redundant with a more recent record from the same submitter.
ClinVar note: Notes: SCV000077606 appears to be redundant with SCV000173043.